The following is an entry in ClinVar:

ClinVar aggregate classification (germline): Likely pathogenic (1 of 4 stars; one submission).

Conditions:
Hereditary spherocytosis type 1. Also called: Spherocytosis type 1; ANK1-Related Spherocytosis. Identifiers: Orphanet 822, MedGen C2674218, MONDO:0008447, OMIM 182900.

Submission:

ARUP Laboratories, Molecular Genetics and Genomics, ARUP Laboratories
Classification: Likely pathogenic for Hereditary spherocytosis type 1. Last evaluated: 2024-12-11. Review status: criteria provided, single submitter. Criteria: ARUP Molecular Germline Variant Investigation Process 2024. Collection method: clinical testing. Allele origin: germline.
Comment: The ANK1 c.4959dup; p.Lys1654Ter variant, to our knowledge, is not reported in the medical literature or gene specific databases. This variant is absent from the Genome Aggregation Database (v2.1.1), indicating it is not a common polymorphism. This variant causes a frameshift by inserting a single nucleotide, so it is predicted to result in a truncated protein or mRNA subject to nonsense-mediated decay. Based on available information, this variant is considered to be likely pathogenic.

NM_000037.4(ANK1):c.4959dup (p.Lys1654Ter)

Gene: ANK1 (ankyrin 1; minus strand). Cytogenetic location: 8p11.21.
Variant type: Duplication.
Coding change: c.4959dup on transcript NM_000037.4 (MANE Select); coding-DNA position 4959, one base duplicated (T; older notation c.4959dupT).
Protein change: p.Lys1654Ter; replaces lysine 1654 with a stop codon.
Molecular consequence: nonsense. On other transcripts: intron variant (1).
Genome position (GRCh38, 1-based): chr8:41,672,491, A duplicated on the plus strand (T on the coding strand, the reverse complement: ANK1 is on the minus strand). VCF-style (leftmost placement, unchanged base first): chr8-41672490-T-TA. GRCh37 (hg19) VCF-style: chr8-41530008-T-TA.
Other names: c.5082dup, p.Lys1695Ter (NM_001142446.2); c.4959dup, p.Lys1654Ter (NM_020475.3, NM_020476.3); c.4538-65dup (NM_020477.3); short protein forms K1654*, K1695*.
Identifiers: ClinVar variation 4685626 (VCV004685626.1).
Genomic context (GRCh38, chr8:41,672,490, plus strand): 5'-AAACAAGAGACACTTCATTCTCTGAGTCCTGCCCTGCACCTGTCGCGTCATCCTGCCTCT[T>TA]AGAACCTGGCAGCTTCTCTTCTGACCTCTGACCTTCCTCCTGTTCAAGCAAATCGATAAG-3'